The following is an entry in ClinVar:

NM_020184.4(CNNM4):c.323G>C (p.Cys108Ser)

Gene: CNNM4 (cyclin and CBS domain divalent metal cation transport mediator 4; plus strand). Cytogenetic location: 2q11.2.
Variant type: single nucleotide variant.
Coding change: c.323G>C on transcript NM_020184.4 (MANE Select); coding-DNA position 323, G replaced by C.
Protein change: p.Cys108Ser; replaces cysteine 108 with serine.
Molecular consequence: missense variant.
Genome position (GRCh38, 1-based): chr2:96,761,322, G>C. VCF-style: chr2-96761322-G-C. GRCh37 (hg19) VCF-style: chr2-97427059-G-C.
Other names: short protein forms C108S.
Identifiers: ClinVar variation 1056188 (VCV001056188.9), dbSNP rs2153341454, ClinGen allele CA347713044.
Genomic context (GRCh38, chr2:96,761,322, plus strand): 5'-GCAACCTGATCTCCTTCACCGAGGTGGACGATGCCGAGACCCTCCACAAGTCCACCAGCT[G>C]CCTCGAGCTCACCAAGGACCTGGTCGTCCAGCAGCTGGTCAACGTGAGCCGCGGGAACAC-3'
Protein context (NP_064569.3, residues 98-118): DAETLHKSTS[Cys108Ser]LELTKDLVVQ

ClinVar aggregate classification (germline): Uncertain significance (1 of 4 stars; one submission).

Submission:

Labcorp Genetics (formerly Invitae), Labcorp
Classification: Uncertain significance. Last evaluated: 2022-02-03. Review status: criteria provided, single submitter. Criteria: Invitae Variant Classification Sherloc (09022015). Collection method: clinical testing. Allele origin: germline.
Comment: ClinVar contains an entry for this variant (Variation ID: 1056188). This variant has not been reported in the literature in individuals affected with CNNM4-related conditions. This variant is not present in population databases (gnomAD no frequency). This sequence change replaces cysteine, which is neutral and slightly polar, with serine, which is neutral and polar, at codon 108 of the CNNM4 protein (p.Cys108Ser). Algorithms developed to predict the effect of missense changes on protein structure and function are either unavailable or do not agree on the potential impact of this missense change (SIFT: "Deleterious"; PolyPhen-2: "Probably Damaging"; Align-GVGD: "Class C0"). In summary, the available evidence is currently insufficient to determine the role of this variant in disease. Therefore, it has been classified as a Variant of Uncertain Significance.